The following is an entry in ClinVar:

ClinVar aggregate classification (germline): Uncertain significance. Review status: criteria provided, multiple submitters, no conflicts (2 of 4 stars). 2 submissions from 2 submitters: Uncertain significance (2). Last evaluated 2025-10-24.

Conditions:
PKD1L1-related disorder. Also called: PKD1L1-related condition.
Inborn genetic diseases. Identifiers: MedGen C0950123, MeSH D030342.

gnomAD v4.1: 7 of 1,613,896 alleles (0.00043%); highest among the groups gnomAD compares: Non-Finnish European, 0.00059%; no homozygotes.

Submissions (2):

PreventionGenetics, part of Exact Sciences
Classification: Uncertain significance for PKD1L1-related condition. Last evaluated: 2025-10-24. Review status: criteria provided, single submitter. Criteria: ACMG Guidelines, 2015. Collection method: clinical testing. Allele origin: germline.
Comment: The PKD1L1 c.7073G>C variant is predicted to result in the amino acid substitution p.Arg2358Pro. To our knowledge, this variant has not been reported in the literature. This variant is reported in 0.0065% of alleles in individuals of European (Non-Finnish) descent in gnomAD. At this time, the clinical significance of this variant is uncertain due to the absence of conclusive functional and genetic evidence.

Ambry Genetics
Classification: Uncertain significance for Inborn genetic diseases. Last evaluated: 2025-04-09. Review status: criteria provided, single submitter. Criteria: Ambry Variant Classification Scheme 2023. Collection method: clinical testing. Allele origin: germline.

NM_138295.5(PKD1L1):c.7073G>C (p.Arg2358Pro)

Genes: PKD1L1 (polycystin 1 like 1, transient receptor potential channel interacting; minus strand), PKD1L1-AS1 (PKD1L1 antisense RNA 1; plus strand). Cytogenetic location: 7p12.3.
Variant type: single nucleotide variant.
Coding change: c.7073G>C on transcript NM_138295.5 (MANE Select); coding-DNA position 7073, G replaced by C.
Protein change: p.Arg2358Pro; replaces arginine 2358 with proline.
Molecular consequence: missense variant.
Genome position (GRCh38, 1-based): chr7:47,815,350, C>G on the plus strand (G>C on the coding strand, the complement: PKD1L1 is on the minus strand). VCF-style: chr7-47815350-C-G. GRCh37 (hg19) VCF-style: chr7-47854948-C-G.
Other names: short protein forms R2358P.
Identifiers: ClinVar variation 3932910 (VCV003932910.2).
Genomic context (GRCh38, chr7:47,815,350, plus strand): 5'-CTTTTCTGAGATGATCTCCTATGAAGAGGAGACGGAAAGCTCACCTGAGCCCCCGGCACA[C>G]GGGCTGACGGGGTGCCTCCCGGGTACAGGCCATCCAGAAGTGTGGTCAGACTCCAGTCCC-3'
Protein context (NP_612152.1, residues 2348-2368): GLYPGGTPSA[Arg2358Pro]VPGAQPGALG